The following is an entry in ClinVar:

ClinVar aggregate classification (germline): Uncertain significance. Review status: criteria provided, multiple submitters, no conflicts (2 of 4 stars). 2 submissions from 2 submitters: Uncertain significance (2). Last evaluated 2025-03-27.

Conditions:
Hereditary cancer-predisposing syndrome. Also called: Hereditary neoplastic syndrome; Hereditary Cancer Syndrome; Tumor predisposition; Neoplastic Syndromes, Hereditary. Identifiers: Orphanet 140162, MedGen C0027672, MeSH D009386, MONDO:0015356.

Allele frequency attached by ClinVar (database versions not stated): gnomAD exomes below 0.00001; TOPMed below 0.00001; gnomAD 0.00001.
gnomAD v4.1: 3 of 1,613,888 alleles (0.00019%); highest among the groups gnomAD compares: East Asian, 0.0022%; no homozygotes.

Submissions (2):

Ambry Genetics
Classification: Uncertain significance for Hereditary cancer-predisposing syndrome. Last evaluated: 2025-03-27. Review status: criteria provided, single submitter. Criteria: Ambry Variant Classification Scheme 2023. Collection method: clinical testing. Allele origin: germline.
Comment: The p.K902R variant (also known as c.2705A>G), located in coding exon 23 of the POLE gene, results from an A to G substitution at nucleotide position 2705. The lysine at codon 902 is replaced by arginine, an amino acid with highly similar properties. This amino acid position is highly conserved in available vertebrate species. In addition, the in silico prediction for this alteration is inconclusive. Based on the available evidence, the clinical significance of this variant remains unclear.

Labcorp Genetics (formerly Invitae), Labcorp
Classification: Uncertain significance. Last evaluated: 2023-02-05. Review status: criteria provided, single submitter. Criteria: Invitae Variant Classification Sherloc (09022015). Collection method: clinical testing. Allele origin: germline.
Comment: This sequence change replaces lysine, which is basic and polar, with arginine, which is basic and polar, at codon 902 of the POLE protein (p.Lys902Arg). This variant is not present in population databases (gnomAD no frequency). This variant has not been reported in the literature in individuals affected with POLE-related conditions. ClinVar contains an entry for this variant (Variation ID: 1520701). Algorithms developed to predict the effect of missense changes on protein structure and function are either unavailable or do not agree on the potential impact of this missense change (SIFT: "Tolerated"; PolyPhen-2: "Possibly Damaging"; Align-GVGD: "Class C0"). In summary, the available evidence is currently insufficient to determine the role of this variant in disease. Therefore, it has been classified as a Variant of Uncertain Significance.

NM_006231.4(POLE):c.2705A>G (p.Lys902Arg)

Gene: POLE (DNA polymerase epsilon, catalytic subunit; minus strand). Cytogenetic location: 12q24.33.
Variant type: single nucleotide variant.
Coding change: c.2705A>G on transcript NM_006231.4 (MANE Select); coding-DNA position 2705, A replaced by G.
Protein change: p.Lys902Arg; replaces lysine 902 with arginine.
Molecular consequence: missense variant.
Genome position (GRCh38, 1-based): chr12:132,664,005, T>C on the plus strand (A>G on the coding strand, the complement: POLE is on the minus strand). VCF-style: chr12-132664005-T-C. GRCh37 (hg19) VCF-style: chr12-133240591-T-C.
Other names: c.2705A>G (NM_006231.2); short protein forms K902R.
Identifiers: ClinVar variation 1520701 (VCV001520701.9), dbSNP rs1375855528, ClinGen allele CA387394884.